The following is an entry in ClinVar:

NM_020944.3(GBA2):c.134G>C (p.Cys45Ser)

Gene: GBA2 (glucosylceramidase beta 2; minus strand). Cytogenetic location: 9p13.3.
Variant type: single nucleotide variant.
Coding change: c.134G>C on transcript NM_020944.3 (MANE Select); coding-DNA position 134, G replaced by C.
Protein change: p.Cys45Ser; replaces cysteine 45 with serine.
Molecular consequence: missense variant.
Genome position (GRCh38, 1-based): chr9:35,748,571, C>G on the plus strand (G>C on the coding strand, the complement: GBA2 is on the minus strand). VCF-style: chr9-35748571-C-G. GRCh37 (hg19) VCF-style: chr9-35748568-C-G.
Other names: c.134G>C, p.Cys45Ser (NM_001330660.2); short protein forms C45S.
Identifiers: ClinVar variation 218781 (VCV000218781.24), dbSNP rs776346547, ClinGen allele CA249374.

ClinVar aggregate classification (germline): Uncertain significance. Review status: criteria provided, multiple submitters, no conflicts (2 of 4 stars). 6 submissions from 6 submitters: Uncertain significance (6). Last evaluated 2024-09-27.

Conditions:
Inborn genetic diseases. Identifiers: MedGen C0950123, MeSH D030342.
Hereditary spastic paraplegia 46. Also called: Spastic paraplegia 46, autosomal recessive. Identifiers: Orphanet 320391, MedGen C2828721, MONDO:0013737, OMIM 614409.

Allele frequency attached by ClinVar (database versions not stated): TOPMed 0.00002.

Submissions (6):

Blueprint Genetics
Classification: Uncertain significance. Last evaluated: 2024-09-27. Review status: criteria provided, single submitter. Criteria: ACMG Guidelines, 2015. Collection method: clinical testing. Allele origin: germline.

CeGaT Center for Human Genetics Tuebingen
Classification: Uncertain significance. Last evaluated: 2024-06-01. Review status: criteria provided, single submitter. Criteria: CeGaT Center For Human Genetics Tuebingen Variant Classification Criteria Version 2. Collection method: clinical testing. Allele origin: germline. Affected: yes. Observed: 1 variant allele.
Comment: GBA2: PM2, BP4

Ambry Genetics
Classification: Uncertain significance for Inborn genetic diseases. Last evaluated: 2021-10-22. Review status: criteria provided, single submitter. Criteria: Ambry Variant Classification Scheme 2023. Collection method: clinical testing. Allele origin: germline.

Baylor Genetics
Classification: Uncertain significance for Hereditary spastic paraplegia 46. Last evaluated: 2020-05-05. Review status: criteria provided, single submitter. Criteria: ACMG Guidelines, 2015. Collection method: clinical testing. Allele origin: unknown. Affected: yes.
Comment: This variant was determined to be of uncertain significance according to ACMG Guidelines, 2015 [PMID:25741868].

Genomic Diagnostic Laboratory, Division of Genomic Diagnostics, Children's Hospital of Philadelphia
Classification: Uncertain significance. Last evaluated: 2015-05-12. Review status: criteria provided, single submitter. Criteria: DGD Variant Analysis Guidelines. Collection method: clinical testing. Allele origin: unknown.

Breakthrough Genomics
Classification: Uncertain significance. Review status: criteria provided, single submitter. Criteria: ACMG Guidelines, 2015. Collection method: not provided. Allele origin: germline. Inheritance: Autosomal recessive inheritance. Affected: yes.